The following is an entry in ClinVar:

NM_014714.4(IFT140):c.3566G>A (p.Arg1189Gln)

Gene: IFT140 (intraflagellar transport 140; minus strand). Cytogenetic location: 16p13.3.
Variant type: single nucleotide variant.
Coding change: c.3566G>A on transcript NM_014714.4 (MANE Select); coding-DNA position 3566, G replaced by A.
Protein change: p.Arg1189Gln; replaces arginine 1189 with glutamine.
Molecular consequence: missense variant.
Genome position (GRCh38, 1-based): chr16:1,520,696, C>T on the plus strand (G>A on the coding strand, the complement: IFT140 is on the minus strand). VCF-style: chr16-1520696-C-T. GRCh37 (hg19) VCF-style: chr16-1570697-C-T.
Other names: short protein forms R1189Q.
Identifiers: ClinVar variation 318006 (VCV000318006.15), dbSNP rs149837281, ClinGen allele CA7813112.

ClinVar aggregate classification (germline): Uncertain significance. Review status: criteria provided, multiple submitters, no conflicts (2 of 4 stars). 4 submissions from 4 submitters: Uncertain significance (4). Last evaluated 2025-08-09.

Conditions:
Inborn genetic diseases. Identifiers: MedGen C0950123, MeSH D030342.
Saldino-Mainzer syndrome (SRTD9). Also called: short-rib thoracic dysplasia 9 with or without polydactyly; SHORT-RIB THORACIC DYSPLASIA 9 WITHOUT POLYDACTYLY; Renal dysplasia, retinal pigmentary dystrophy, cerebellar ataxia and skeletal dysplasia; CONORENAL SYNDROME. Identifiers: Orphanet 140969, MedGen C1849437, MONDO:0009964, OMIM 266920.
IFT140-related disorder. Also called: IFT140-related condition.

Allele frequency attached by ClinVar (database versions not stated): gnomAD 0.00001; TOPMed 0.00002; ESP Exome Variant Server 0.00008.

Submissions (4):

Labcorp Genetics (formerly Invitae), Labcorp
Classification: Uncertain significance for Saldino-Mainzer syndrome. Last evaluated: 2025-08-09. Review status: criteria provided, single submitter. Criteria: Invitae Variant Classification Sherloc (09022015). Collection method: clinical testing. Allele origin: germline.
Comment: This sequence change replaces arginine, which is basic and polar, with glutamine, which is neutral and polar, at codon 1189 of the IFT140 protein (p.Arg1189Gln). This variant is present in population databases (rs149837281, gnomAD 0.007%). This variant has not been reported in the literature in individuals affected with IFT140-related conditions. ClinVar contains an entry for this variant (Variation ID: 318006). Invitae Evidence Modeling of protein sequence and biophysical properties (such as structural, functional, and spatial information, amino acid conservation, physicochemical variation, residue mobility, and thermodynamic stability) indicates that this missense variant is not expected to disrupt IFT140 protein function with a negative predictive value of 80%. In summary, the available evidence is currently insufficient to determine the role of this variant in disease. Therefore, it has been classified as a Variant of Uncertain Significance.

Ambry Genetics
Classification: Uncertain significance for Inborn genetic diseases. Last evaluated: 2025-08-01. Review status: criteria provided, single submitter. Criteria: Ambry Variant Classification Scheme 2023. Collection method: clinical testing. Allele origin: germline.

PreventionGenetics, part of Exact Sciences
Classification: Uncertain significance for IFT140-related condition. Last evaluated: 2024-12-18. Review status: criteria provided, single submitter. Criteria: ACMG Guidelines, 2015. Collection method: clinical testing. Allele origin: germline.
Comment: The IFT140 c.3566G>A variant is predicted to result in the amino acid substitution p.Arg1189Gln. To our knowledge, this variant has not been reported in the literature. This variant is reported in 0.0065% of alleles in individuals of African descent in gnomAD. At this time, the clinical significance of this variant is uncertain due to the absence of conclusive functional and genetic evidence.

Illumina Laboratory Services, Illumina
Classification: Uncertain significance for Saldino-Mainzer syndrome. Last evaluated: 2018-01-12. Review status: criteria provided, single submitter. Criteria: ICSL Variant Classification Criteria 13 December 2019. Collection method: clinical testing. Allele origin: germline.